The following is an entry in ClinVar:

ClinVar aggregate classification (germline): Benign/Likely benign. Review status: criteria provided, multiple submitters, no conflicts (2 of 4 stars). 2 submissions from 2 submitters: Benign (1); Likely benign (1). Last evaluated 2025-11-20.

Conditions:
Familial thoracic aortic aneurysm and aortic dissection (TAAD). Also called: Thoracic aortic aneurysms and dissections. Identifiers: Orphanet 91387, MedGen C4707243, MONDO:0019625.
Hereditary cancer-predisposing syndrome. Also called: Neoplastic Syndromes, Hereditary; Tumor predisposition; Hereditary neoplastic syndrome; Hereditary Cancer Syndrome. Identifiers: Orphanet 140162, MedGen C0027672, MeSH D009386, MONDO:0015356.
Juvenile polyposis/hereditary hemorrhagic telangiectasia syndrome (JPHT). Also called: JP/HHT SYNDROME; JUVENILE POLYPOSIS WITH HEREDITARY HEMORRHAGIC TELANGIECTASIA; POLYPOSIS, GENERALIZED JUVENILE, WITH PULMONARY ARTERIOVENOUS MALFORMATION; TELANGIECTASIA, HEREDITARY HEMORRHAGIC, WITH JUVENILE POLYPOSIS COLI; Juvenile Polyposis Syndrome / Hereditary Hemorrhagic Telangiectasia (JPS/HHT). Identifiers: Orphanet 2929, MedGen C1832942, MONDO:0008278, OMIM 175050.

gnomAD v4.1: 1 of 1,614,196 alleles (0.000062%); highest among the groups gnomAD compares: African/African-American, 0.0013%; no homozygotes.

Submissions (2):

Ambry Genetics
Classification: Likely benign for Hereditary cancer-predisposing syndrome; Familial thoracic aortic aneurysm and aortic dissection. Last evaluated: 2025-11-20. Review status: criteria provided, single submitter. Criteria: Ambry Variant Classification Scheme 2023. Collection method: clinical testing. Allele origin: germline.

Myriad Genetics, Inc.
Classification: Benign for Juvenile polyposis/hereditary hemorrhagic telangiectasia syndrome. Last evaluated: 2025-03-19. Review status: criteria provided, single submitter. Criteria: Myriad Autosomal Dominant, Autosomal Recessive and X-Linked Classification Criteria (2023). Collection method: clinical testing. Allele origin: unknown.
Comment: This variant is considered benign. This variant is a silent/synonymous amino acid change and it is not expected to impact splicing.

NM_005359.6(SMAD4):c.747G>A (p.Gln249=)

Gene: SMAD4 (SMAD family member 4; plus strand). Cytogenetic location: 18q21.2.
Variant type: single nucleotide variant.
Coding change: c.747G>A on transcript NM_005359.6 (MANE Select); coding-DNA position 747, G replaced by A.
Protein change: p.Gln249=; no amino-acid change (glutamine 249 retained).
Molecular consequence: synonymous variant. On other transcripts: non-coding transcript variant (2).
Genome position (GRCh38, 1-based): chr18:51,058,204, G>A. VCF-style: chr18-51058204-G-A. GRCh37 (hg19) VCF-style: chr18-48584574-G-A.
Other names: c.747G>A, p.Gln249= (NM_001407041.1, NM_001407042.1, NM_001407043.1).
Identifiers: ClinVar variation 3903698 (VCV003903698.2).